The following is an entry in ClinVar:

NM_172245.4(CSF2RA):c.590C>G (p.Thr197Ser)

Gene: CSF2RA (colony stimulating factor 2 receptor subunit alpha; plus strand). Cytogenetic location: Xp22.33.
Variant type: single nucleotide variant.
Coding change: c.590C>G on transcript NM_172245.4 (MANE Select); coding-DNA position 590, C replaced by G.
Protein change: p.Thr197Ser; replaces threonine 197 with serine.
Molecular consequence: missense variant. On other transcripts: non-coding transcript variant (1).
Genome position (GRCh38, 1-based): chrX:1,290,453, C>G. VCF-style: chrX-1290453-C-G. GRCh37 (hg19) VCF-style: chrX-1409346-C-G.
Other names: c.590C>G, p.Thr197Ser (NM_001161529.2, NM_001161530.2, NM_001161531.2 and 21 more transcripts); c.191C>G, p.Thr64Ser (NM_001161532.2); short protein forms T197S, T64S.
Identifiers: ClinVar variation 2165561 (VCV002165561.4), dbSNP rs2522113970, ClinGen allele CA412235720.

ClinVar aggregate classification (germline): Uncertain significance (1 of 4 stars; one submission).

Conditions:
Surfactant metabolism dysfunction, pulmonary, 4 (SMDP4). Also called: PAP DUE TO CSF2RA DEFICIENCY; PULMONARY ALVEOLAR PROTEINOSIS, CONGENITAL, 4; CSF2RA DEFICIENCY. Identifiers: Orphanet 264675, MedGen C2677877, MONDO:0010424, OMIM 300770.

Allele frequency attached by ClinVar (database versions not stated): gnomAD exomes below 0.00001.
gnomAD v4.1: 1 of 1,613,858 alleles (0.000062%); highest among the groups gnomAD compares: East Asian, 0.0022%; no homozygotes.

Submission:

Labcorp Genetics (formerly Invitae), Labcorp
Classification: Uncertain significance for Surfactant metabolism dysfunction, pulmonary, 4. Last evaluated: 2022-06-12. Review status: criteria provided, single submitter. Criteria: Invitae Variant Classification Sherloc (09022015). Collection method: clinical testing. Allele origin: germline.
Comment: This sequence change replaces threonine, which is neutral and polar, with serine, which is neutral and polar, at codon 197 of the CSF2RA protein (p.Thr197Ser). This variant is not present in population databases (gnomAD no frequency). This variant has not been reported in the literature in individuals affected with CSF2RA-related conditions. Algorithms developed to predict the effect of missense changes on protein structure and function are either unavailable or do not agree on the potential impact of this missense change (SIFT: "Tolerated"; PolyPhen-2: "Possibly Damaging"; Align-GVGD: "Class C0"). In summary, the available evidence is currently insufficient to determine the role of this variant in disease. Therefore, it has been classified as a Variant of Uncertain Significance.